The following is an entry in ClinVar:

ClinVar aggregate classification (germline): Pathogenic/Likely pathogenic. Review status: criteria provided, multiple submitters, no conflicts (2 of 4 stars). 4 submissions from 4 submitters: Pathogenic (1); Likely pathogenic (2). 1 of the submissions does not count toward it. Last evaluated 2026-04-02.

Conditions:
Leukodystrophy, hypomyelinating, 9. Identifiers: Orphanet 438114, MedGen C4015323, MONDO:0014506, OMIM 616140.

Allele frequency attached by ClinVar (database versions not stated): ExAC 0.00002; gnomAD exomes 0.00001 and 0.00002; gnomAD 0.00002; TOPMed 0.00002; ESP Exome Variant Server 0.00008.
gnomAD v4.1: 15 of 1,613,940 alleles (0.00093%); highest among the groups gnomAD compares: Middle Eastern, 0.016%; no homozygotes.

Submissions (4):

GeneDx
Classification: Pathogenic. Last evaluated: 2026-04-02. Review status: criteria provided, single submitter. Criteria: GeneDx Variant Classification Process June 2021. Collection method: clinical testing. Allele origin: germline.
Comment: Published functional studies demonstrate a damaging effect to secondary structure, cell stability, and Arg activation (PMID: 33515434); In silico analysis supports that this missense variant has a deleterious effect on protein structure/function; Not observed at significant frequency in large population cohorts (gnomAD); This variant is associated with the following publications: (PMID: 39487674, 37186453, 38618971, 34523057, 40594583, 31216405, 29451896, 37755363, 31814314, 24777941, 33515434)

Labcorp Genetics (formerly Invitae), Labcorp
Classification: Likely pathogenic. Last evaluated: 2021-11-15. Review status: criteria provided, single submitter. Criteria: Invitae Variant Classification Sherloc (09022015). Collection method: clinical testing. Allele origin: germline.
Comment: In summary, the currently available evidence indicates that the variant is pathogenic, but additional data are needed to prove that conclusively. Therefore, this variant has been classified as Likely Pathogenic. This variant disrupts the p.Arg512 amino acid residue in RARS. Other variant(s) that disrupt this residue have been observed in individuals with RARS-related conditions (PMID: 31814314), which suggests that this may be a clinically significant amino acid residue. Algorithms developed to predict the effect of sequence changes on RNA splicing suggest that this variant may create or strengthen a splice site. Algorithms developed to predict the effect of missense changes on protein structure and function are either unavailable or do not agree on the potential impact of this missense change (SIFT: "Deleterious"; PolyPhen-2: "Probably Damaging"; Align-GVGD: "Class C0"). ClinVar contains an entry for this variant (Variation ID: 162084). This missense change has been observed in individual(s) with hypomyelinating leukodystrophy (PMID: 24777941, 31814314). In at least one individual the data is consistent with the variant being in trans (on the opposite chromosome) from a pathogenic variant. This variant is present in population databases (rs369398935, gnomAD 0.007%). This sequence change replaces arginine, which is basic and polar, with glutamine, which is neutral and polar, at codon 512 of the RARS protein (p.Arg512Gln).

Baylor Genetics
Classification: Likely pathogenic for Leukodystrophy, hypomyelinating, 9. Last evaluated: 2017-12-31. Review status: criteria provided, single submitter. Criteria: ACMG Guidelines, 2015. Collection method: clinical testing. Allele origin: germline. Affected: yes.

OMIM
Classification: Pathogenic for LEUKODYSTROPHY, HYPOMYELINATING, 9. Last evaluated: 2014-04-29. Review status: no assertion criteria provided. Collection method: literature only. Allele origin: germline. Not counted in ClinVar's aggregate classification.

Literature cited by the submitters: PubMed 31814314 (cited by Labcorp Genetics (formerly Invitae), Labcorp); PubMed 24777941 (cited by 3 submitters).

NM_002887.4(RARS1):c.1535G>A (p.Arg512Gln)

Gene: RARS1 (arginyl-tRNA synthetase 1; plus strand). Cytogenetic location: 5q34.
Variant type: single nucleotide variant.
Coding change: c.1535G>A on transcript NM_002887.4 (MANE Select); coding-DNA position 1535, G replaced by A.
Protein change: p.Arg512Gln; replaces arginine 512 with glutamine.
Molecular consequence: missense variant.
Genome position (GRCh38, 1-based): chr5:168,516,860, G>A. VCF-style: chr5-168516860-G-A. GRCh37 (hg19) VCF-style: chr5-167943865-G-A.
Other names: short protein forms R512Q.
Identifiers: ClinVar variation 162084 (VCV000162084.10), dbSNP rs369398935, ClinGen allele CA214536.